The following is an entry in ClinVar:

NM_018489.3(ASH1L):c.8630A>T (p.Glu2877Val)

Gene: ASH1L (ASH1 like histone lysine methyltransferase; minus strand). Cytogenetic location: 1q22.
Variant type: single nucleotide variant.
Coding change: c.8630A>T on transcript NM_018489.3 (MANE Select); coding-DNA position 8630, A replaced by T.
Protein change: p.Glu2877Val; replaces glutamic acid 2877 with valine.
Molecular consequence: missense variant.
Genome position (GRCh38, 1-based): chr1:155,338,262, T>A on the plus strand (A>T on the coding strand, the complement: ASH1L is on the minus strand). VCF-style: chr1-155338262-T-A. GRCh37 (hg19) VCF-style: chr1-155308053-T-A.
Other names: c.8645A>T, p.Glu2882Val (NM_001366177.2); short protein forms E2877V, E2882V.
Identifiers: ClinVar variation 4885162 (VCV004885162.2).

ClinVar aggregate classification (germline): Uncertain significance (1 of 4 stars; one submission).

Submission:

Dasa
Classification: Uncertain significance. Last evaluated: 2024-12-01. Review status: criteria provided, single submitter. Criteria: DASA Assertion Criteria. Collection method: clinical testing. Allele origin: germline.
Comment: NM_018489.3(ASH1L):c.8630A>T (p.Glu2877Val) is a missense variant that results in the substitution of glutamic acid with valine. This variant is absent from population databases. Computational prediction algorithms are consistent with a benign effect. The currently available literature and clinical evidence are not sufficient to establish a definitive association between this variant and the reported condition. Therefore, this variant is classified as a variant of uncertain significance.